The following is an entry in ClinVar:

ClinVar aggregate classification (germline): Uncertain significance (1 of 4 stars; one submission).

Conditions:
Hereditary cancer-predisposing syndrome. Also called: Tumor predisposition; Hereditary Cancer Syndrome; Neoplastic Syndromes, Hereditary; Hereditary neoplastic syndrome. Identifiers: Orphanet 140162, MedGen C0027672, MeSH D009386, MONDO:0015356.

Submission:

Color Diagnostics, LLC DBA Color Health
Classification: Uncertain significance for Hereditary cancer-predisposing syndrome. Last evaluated: 2025-06-25. Review status: criteria provided, single submitter. Criteria: ACMG Guidelines, 2015. Collection method: clinical testing. Allele origin: germline.
Comment: This missense variant replaces tyrosine with serine at codon 232 of the BRCA2 protein. Computational prediction suggests that this variant may not impact protein structure and function. To our knowledge, functional studies have not been reported for this variant. This variant has not been reported in individuals affected with BRCA2-related disorders in the literature. This variant has not been identified in the general population by the Genome Aggregation Database (gnomAD). The available evidence is insufficient to determine the role of this variant in disease conclusively. Therefore, this variant is classified as a Variant of Uncertain Significance.

NM_000059.4(BRCA2):c.695A>C (p.Tyr232Ser)

Gene: BRCA2 (BRCA2 DNA repair associated; plus strand). Cytogenetic location: 13q13.1.
Variant type: single nucleotide variant.
Coding change: c.695A>C on transcript NM_000059.4 (MANE Select); coding-DNA position 695, A replaced by C.
Protein change: p.Tyr232Ser; replaces tyrosine 232 with serine.
Molecular consequence: missense variant. On other transcripts: non-coding transcript variant (1).
Genome position (GRCh38, 1-based): chr13:32,330,932, A>C. VCF-style: chr13-32330932-A-C. GRCh37 (hg19) VCF-style: chr13-32905069-A-C.
Other names: c.695A>C, p.Tyr232Ser (NM_001406719.1, NM_001406720.1, NM_001406721.1 and 1 more transcripts); c.326A>C, p.Tyr109Ser (NM_001406722.1); short protein forms Y109S, Y232S.
Identifiers: ClinVar variation 4756869 (VCV004756869.1).